The following is an entry in ClinVar:

ClinVar aggregate classification (germline): Likely pathogenic (1 of 4 stars; one submission).

Conditions:
Deficiency of alpha-mannosidase (MANSA). Also called: Mannosidosis, alpha-, types I and II; LYSOSOMAL ALPHA-D-MANNOSIDASE DEFICIENCY; Alpha-Mannosidosis. Identifiers: Orphanet 61, MedGen C0024748, MONDO:0009561, OMIM 248500.

Submission:

Myriad Genetics, Inc.
Classification: Likely pathogenic for Deficiency of alpha-mannosidase. Last evaluated: 2022-03-30. Review status: criteria provided, single submitter. Criteria: Myriad Women's Health Autosomal Recessive and X-Linked Classification Criteria (2021). Collection method: clinical testing. Allele origin: unknown.
Comment: NM_000528.3(MAN2B1):c.1986_1987delCA(F662Lfs*72) is expected to be pathogenic in the context of alpha-mannosidosis. This variant is predicted to lead to an abnormal or absent protein product due to the creation of a premature termination codon in MAN2B1, a gene where loss-of-function variants are known to be pathogenic. Please note: this variant was assessed in the context of healthy population screening.

NM_000528.4(MAN2B1):c.1986_1987del (p.Phe662fs)

Gene: MAN2B1 (mannosidase alpha class 2B member 1; minus strand). Cytogenetic location: 19p13.13.
Variant type: Deletion.
Coding change: c.1986_1987del on transcript NM_000528.4 (MANE Select); coding-DNA positions 1986 to 1987, 2 bases deleted (CA; older notation c.1986_1987delCA).
Protein change: p.Phe662fs; shifts the reading frame from phenylalanine 662.
Molecular consequence: frameshift variant.
Genome position (GRCh38, 1-based): chr19:12,652,212-12,652,213, TG deleted on the plus strand (CA on the coding strand, the reverse complement: MAN2B1 is on the minus strand). VCF-style (leftmost placement, unchanged base first): chr19-12652211-CTG-C. GRCh37 (hg19) VCF-style: chr19-12763025-CTG-C.
Other names: c.1983_1984del, p.Phe661fs (NM_001173498.2); short protein forms F661fs, F662fs.
Identifiers: ClinVar variation 1725653 (VCV001725653.2), dbSNP rs2512492615, ClinGen allele CA2580096700.
Genomic context (GRCh38, chr19:12,652,211, plus strand): 5'-ACCTTCACCAGGTGGATCTGAGCCCAGCGGCTCACAGGCAGCGGTTTCTGTTGGTTGGGT[CTG>C]AAGATGTAGGCACCTGAGGCCTGGTCACTTTCGTTGTCACCTATACTGGCGTTGTACCTG-3'